The following is an entry in ClinVar:

NM_001009944.3(PKD1):c.11156+1G>A

Genes: PKD1 (polycystin 1, transient receptor potential channel interacting; minus strand), PKD1-AS1 (PKD1 antisense RNA 1; plus strand). Cytogenetic location: 16p13.3.
Variant type: single nucleotide variant.
Coding change: c.11156+1G>A on transcript NM_001009944.3 (MANE Select); the canonical splice donor site of the intron after coding-DNA position 11156, G replaced by A.
Molecular consequence: splice donor variant. On other transcripts: non-coding transcript variant (1).
Genome position (GRCh38, 1-based): chr16:2,092,953, C>T on the plus strand (G>A on the coding strand, the complement: PKD1 is on the minus strand). VCF-style: chr16-2092953-C-T. GRCh37 (hg19) VCF-style: chr16-2142954-C-T.
Other names: c.11153+1G>A (NM_000296.4).
Identifiers: ClinVar variation 3902615 (VCV003902615.2).
Genomic context (GRCh38, chr16:2,092,953, plus strand): 5'-TGGCTGGACTAAAGGCAAAACTAAAGCCCAGAAGACAGACCAGTGCACCGGATGCCCGTA[C>T]CGCGTGATGGCCAGGAAGGCCCGGCTGTGCAGCTCCTGCTTGATGGCGCTTTGCAGACGG-3'

ClinVar aggregate classification (germline): Pathogenic (1 of 4 stars; one submission).

Conditions:
Polycystic kidney disease, adult type (PKD1). Also called: Polycystic Kidney, Autosomal Dominant; POLYCYSTIC KIDNEY DISEASE, ADULT, TYPE I; Polycystic Kidney Disease 1, Autosomal Dominant; Polycystic kidney disease 1; Polycystic kidney disease 1, severe; POLYCYSTIC KIDNEY DISEASE 1 WITH OR WITHOUT POLYCYSTIC LIVER DISEASE. Identifiers: MedGen C3149841, MONDO:0008263, OMIM 173900.

Submission:

Women's Health and Genetics/Laboratory Corporation of America, LabCorp
Classification: Pathogenic for Polycystic kidney disease, adult type. Last evaluated: 2026-05-18. Review status: criteria provided, single submitter. Criteria: LabCorp Variant Classification Summary - May 2015. Collection method: clinical testing. Allele origin: germline.
Comment: Variant summary: PKD1 c.11156+1G>A is located in a canonical splice-site and is predicted to affect mRNA splicing resulting in a significantly altered protein due to either exon skipping, shortening, or inclusion of intronic material. Variants that disrupt the consensus splice site are a relatively common cause of aberrant splicing and loss of PKD1 function. Several computational tools predict a significant impact on normal splicing: Four predict the variant abolishes a 5' splicing donor site. However, these predictions have yet to be confirmed by functional studies. The variant was absent in 250674 control chromosomes. c.11156+1G>A has been observed in individual(s) affected with Polycystic Kidney Disease 1 (Lindemann_2023). To our knowledge, no experimental evidence demonstrating an impact on protein function has been reported. A different splice variant affecting the canonical splice donor site (c.11156+2T>C) has been classified as Pathogenic. The following publication have been ascertained in the context of this evaluation (PMID: 36938073). No submitters have cited clinical-significance assessments for this variant to ClinVar. Based on the evidence outlined above, the variant was classified as pathogenic.

Literature cited by the submitters: PubMed 36938073.